The following is an entry in ClinVar:

ClinVar aggregate classification (germline): Uncertain significance (1 of 4 stars; one submission).

Conditions:
Hereditary cancer-predisposing syndrome. Also called: Neoplastic Syndromes, Hereditary; Tumor predisposition; Hereditary neoplastic syndrome; Hereditary Cancer Syndrome. Identifiers: Orphanet 140162, MedGen C0027672, MeSH D009386, MONDO:0015356.

Submission:

Ambry Genetics
Classification: Uncertain significance for Hereditary cancer-predisposing syndrome. Last evaluated: 2026-07-06. Review status: criteria provided, single submitter. Criteria: Ambry Variant Classification Scheme 2023. Collection method: clinical testing. Allele origin: germline.
Comment: The p.P607L variant (also known as c.1820C>T), located in coding exon 12 of the CDH1 gene, results from a C to T substitution at nucleotide position 1820. The proline at codon 607 is replaced by leucine, an amino acid with similar properties. This amino acid position is conserved. In addition, this alteration is predicted to be tolerated by in silico analysis. Based on the available evidence, the clinical significance of this variant remains unclear.

NM_004360.5(CDH1):c.1820C>T (p.Pro607Leu)

Gene: CDH1 (cadherin 1; plus strand). Cytogenetic location: 16q22.1.
Variant type: single nucleotide variant.
Coding change: c.1820C>T on transcript NM_004360.5 (MANE Select); coding-DNA position 1820, C replaced by T.
Protein change: p.Pro607Leu; replaces proline 607 with leucine.
Molecular consequence: missense variant. On other transcripts: 5 prime UTR variant (1).
Genome position (GRCh38, 1-based): chr16:68,822,109, C>T. VCF-style: chr16-68822109-C-T. GRCh37 (hg19) VCF-style: chr16-68856012-C-T.
Other names: c.272C>T, p.Pro91Leu (NM_001317185.2); c.-146C>T (NM_001317186.2); c.1637C>T, p.Pro546Leu (NM_001317184.2); short protein forms P546L, P91L, P607L.
Identifiers: ClinVar variation 5033909 (VCV005033909.1).